The following is an entry in ClinVar:

NM_001394583.1(KSR1):c.765C>A (p.His255Gln)

Gene: KSR1 (kinase suppressor of ras 1; plus strand). Cytogenetic location: 17q11.2.
Variant type: single nucleotide variant.
Coding change: c.765C>A on transcript NM_001394583.1 (MANE Select); coding-DNA position 765, C replaced by A.
Protein change: p.His255Gln; replaces histidine 255 with glutamine.
Molecular consequence: missense variant. On other transcripts: 5 prime UTR variant (2).
Genome position (GRCh38, 1-based): chr17:27,582,890, C>A. VCF-style: chr17-27582890-C-A. GRCh37 (hg19) VCF-style: chr17-25909916-C-A.
Other names: c.765C>A, p.His255Gln (NM_001367810.1); c.-239C>A (NM_001394584.1, NM_001394585.1); c.354C>A, p.His118Gln (NM_014238.2); short protein forms H255Q, H118Q.
Identifiers: ClinVar variation 5023448 (VCV005023448.1).

ClinVar aggregate classification (germline): Uncertain significance (1 of 4 stars; one submission).

gnomAD v4.1: 3 of 1,612,742 alleles (0.00019%); highest among the groups gnomAD compares: East Asian, 0.0067%; no homozygotes.

Submission:

Ambry Genetics
Classification: Uncertain significance. Last evaluated: 2026-07-03. Review status: criteria provided, single submitter. Criteria: Ambry Variant Classification Scheme 2023. Collection method: clinical testing. Allele origin: germline.
Comment: The c.354C>A (p.H118Q) alteration is located in exon 5 (coding exon 2) of the KSR1 gene. This alteration results from a C to A substitution at nucleotide position 354, causing the histidine (H) at amino acid position 118 to be replaced by a glutamine (Q). Based on data from gnomAD, the A allele has an overall frequency of <0.001% (1/244698) total alleles studied. The highest observed frequency was 0.006% (1/17922) of East Asian alleles. Based on insufficient or conflicting evidence, the clinical significance of this alteration remains unclear.